The following is an entry in ClinVar:

NM_000384.3(APOB):c.6758A>G (p.Asp2253Gly)

Gene: APOB (apolipoprotein B; minus strand). Cytogenetic location: 2p24.1.
Variant type: single nucleotide variant.
Coding change: c.6758A>G on transcript NM_000384.3 (MANE Select); coding-DNA position 6758, A replaced by G.
Protein change: p.Asp2253Gly; replaces aspartic acid 2253 with glycine.
Molecular consequence: missense variant.
Genome position (GRCh38, 1-based): chr2:21,010,110, T>C on the plus strand (A>G on the coding strand, the complement: APOB is on the minus strand). VCF-style: chr2-21010110-T-C. GRCh37 (hg19) VCF-style: chr2-21232982-T-C.
Other names: c.6758A>G (NM_000384.2); short protein forms D2253G.
Identifiers: ClinVar variation 2927114 (VCV002927114.4), dbSNP rs1373291607, ClinGen allele CA346000795.

ClinVar aggregate classification (germline): Conflicting classifications of pathogenicity. Review status: criteria provided, conflicting classifications (1 of 4 stars). 2 submissions from 2 submitters: Uncertain significance (1); Likely benign (1). Last evaluated 2026-04-11.

Conditions:
Familial hypobetalipoproteinemia 1. Also called: APOB-Related Familial Hypobetalipoproteinemia; Hypobetalipoproteinemia, normotriglyceridemic; Acanthocytosis with hypobetalipoproteinemia. Identifiers: MedGen C4551990, MONDO:0014252, OMIM 615558.
Hypercholesterolemia, autosomal dominant, type B (FHCL2). Also called: APOLIPOPROTEIN B-100, FAMILIAL DEFECTIVE; APOLIPOPROTEIN B-100, FAMILIAL LIGAND-DEFECTIVE; HYPERCHOLESTEROLEMIA, FAMILIAL, DUE TO LIGAND-DEFECTIVE APOLIPOPROTEIN B; Hyperlipoproteinemia Type IIb; Familial Hypercholesterolemia Type B; Familial hypercholesterolemia 2. Identifiers: MedGen C1704417, MONDO:0007751, OMIM 144010.

Allele frequency attached by ClinVar (database versions not stated): gnomAD 0.00001; TOPMed 0.00001.
gnomAD v4.1: 5 of 1,612,540 alleles (0.00031%); highest among the groups gnomAD compares: East Asian, 0.011%; no homozygotes.

Submissions (2):

GeneDx
Classification: Uncertain significance. Last evaluated: 2026-04-11. Review status: criteria provided, single submitter. Criteria: GeneDx Variant Classification Process June 2021. Collection method: clinical testing. Allele origin: germline.
Comment: Not observed at significant frequency in large population cohorts (gnomAD); In silico analysis supports that this missense variant has a deleterious effect on protein structure/function; Has not been previously published as pathogenic or benign to our knowledge

Labcorp Genetics (formerly Invitae), Labcorp
Classification: Likely benign for Familial hypobetalipoproteinemia 1; Hypercholesterolemia, autosomal dominant, type B. Last evaluated: 2023-12-22. Review status: criteria provided, single submitter. Criteria: Invitae Variant Classification Sherloc (09022015). Collection method: clinical testing. Allele origin: germline.